The following is an entry in ClinVar:

ClinVar aggregate classification (germline): Benign. Review status: criteria provided, multiple submitters, no conflicts (2 of 4 stars). 4 submissions from 4 submitters: Benign (2). 2 of the submissions do not count toward it. Last evaluated 2025-11-26.

Conditions:
FBXW7-related disorder. Also called: FBXW7-related condition; FBXW7-related disorders.

Allele frequency attached by ClinVar (database versions not stated): gnomAD exomes 0.00023 and 0.00065; ExAC 0.00069; ESP Exome Variant Server 0.00223; gnomAD 0.00251 and 0.00265; 1000 Genomes Project 0.00280; TOPMed 0.00285; 1000 Genomes Project 30x 0.00375.

Submissions (4):

Labcorp Genetics (formerly Invitae), Labcorp
Classification: Benign. Last evaluated: 2025-11-26. Review status: criteria provided, single submitter. Criteria: Invitae Variant Classification Sherloc (09022015). Collection method: clinical testing. Allele origin: germline.

CeGaT Center for Human Genetics Tuebingen
Classification: Benign. Last evaluated: 2025-10-01. Review status: criteria provided, single submitter. Criteria: CeGaT Center For Human Genetics Tuebingen Variant Classification Criteria Version 2. Collection method: clinical testing. Allele origin: germline. Affected: yes. Observed: 1 variant allele.
Comment: FBXW7: BP4, BS1, BS2

PreventionGenetics, part of Exact Sciences
Classification: Likely benign for FBXW7-related condition. Last evaluated: 2019-08-20. Review status: no assertion criteria provided. Collection method: clinical testing. Allele origin: germline. Not counted in ClinVar's aggregate classification.
Comment: This variant is classified as likely benign based on ACMG/AMP sequence variant interpretation guidelines (Richards et al. 2015 PMID: 25741868, with internal and published modifications).

ITMI
No classification provided. Condition: AllHighlyPenetrant. Last evaluated: 2013-09-19. Review status: no classification provided. Collection method: reference population. Allele origin: germline. Not counted in ClinVar's aggregate classification.
Comment: Please see associated publication for description of ethnicities

Literature cited by the submitters: PubMed 24728327 (cited by ITMI).

NM_001349798.2(FBXW7):c.479C>T (p.Pro160Leu)

Gene: FBXW7 (F-box and WD repeat domain containing 7; minus strand). Cytogenetic location: 4q31.3.
Variant type: single nucleotide variant.
Coding change: c.479C>T on transcript NM_001349798.2 (MANE Select); coding-DNA position 479, C replaced by T.
Protein change: p.Pro160Leu; replaces proline 160 with leucine.
Molecular consequence: missense variant.
Genome position (GRCh38, 1-based): chr4:152,411,325, G>A on the plus strand (C>T on the coding strand, the complement: FBXW7 is on the minus strand). VCF-style: chr4-152411325-G-A. GRCh37 (hg19) VCF-style: chr4-153332477-G-A.
Other names: c.479C>T, p.Pro160Leu (LRG_1141t1, NM_001257069.1, NM_033632.3); short protein forms P160L.
Identifiers: ClinVar variation 134385 (VCV000134385.11), dbSNP rs147025249, ClinGen allele CA159660.
Genomic context (GRCh38, chr4:152,411,325, plus strand): 5'-AAAGTTTCTCAGGTTAACAATATATTGAATATACTCACTTTTGTTGTTTTTGTATAGAAT[G>A]GGGAGGAGAGTTGGTGAACGGGCAGGTCCACAATACTACTGGAGTTCGTGACACTGTTAG-3'
Protein context (NP_001336727.1, residues 150-170): VDLPVHQLSS[Pro160Leu]FYTKTTKMKR